The following is an entry in ClinVar:

ClinVar aggregate classification (germline): Benign (1 of 4 stars; one submission).

Conditions:
Juvenile polyposis syndrome (JPS). Identifiers: Orphanet 2929, MedGen C0345893, MONDO:0017380, OMIM 174900.

Submission:

Myriad Genetics, Inc.
Classification: Benign for Juvenile polyposis syndrome. Last evaluated: 2024-08-02. Review status: criteria provided, single submitter. Criteria: Myriad Autosomal Dominant, Autosomal Recessive and X-Linked Classification Criteria (2023). Collection method: clinical testing. Allele origin: unknown.
Comment: This variant is considered benign. This variant is a silent/synonymous amino acid change and it is not expected to impact splicing.

NM_004329.3(BMPR1A):c.663A>T (p.Gly221=)

Gene: BMPR1A (bone morphogenetic protein receptor type 1A; plus strand). Cytogenetic location: 10q23.2.
Variant type: single nucleotide variant.
Coding change: c.663A>T on transcript NM_004329.3 (MANE Select); coding-DNA position 663, A replaced by T.
Protein change: p.Gly221=; no amino-acid change (glycine 221 retained).
Molecular consequence: synonymous variant. On other transcripts: non-coding transcript variant (3), intron variant (1).
Genome position (GRCh38, 1-based): chr10:86,912,372, A>T. VCF-style: chr10-86912372-A-T. GRCh37 (hg19) VCF-style: chr10-88672129-A-T.
Other names: c.738A>T, p.Gly246= (NM_001406559.1); c.711A>T, p.Gly237= (NM_001406560.1); c.663A>T, p.Gly221= (NM_001406561.1, NM_001406562.1, NM_001406563.1 and 20 more transcripts); c.579A>T, p.Gly193= (NM_001406584.1, NM_001406585.1, NM_001406586.1 and 2 more transcripts); c.334-4762A>T (NM_001406589.1).
Identifiers: ClinVar variation 3378771 (VCV003378771.1).
Genomic context (GRCh38, chr10:86,912,372, plus strand): 5'-AGTTGGAGAATCACTAAAAGACCTTATTGACCAGTCACAAAGTTCTGGTAGTGGGTCTGG[A>T]CTACCTTTATTGGTAAGTTAAACGTTCCTATAGACATGAATGGTGTGTTGATTTAGAATG-3'
Protein context (NP_004320.2, residues 211-231): DQSQSSGSGS[Gly221=]LPLLVQRTIA